The following is an entry in ClinVar:

ClinVar aggregate classification (germline): Uncertain significance (1 of 4 stars; one submission).

Conditions:
Hereditary cancer-predisposing syndrome. Also called: Neoplastic Syndromes, Hereditary; Tumor predisposition; Hereditary Cancer Syndrome; Hereditary neoplastic syndrome. Identifiers: Orphanet 140162, MedGen C0027672, MeSH D009386, MONDO:0015356.

Submission:

Ambry Genetics
Classification: Uncertain significance for Hereditary cancer-predisposing syndrome. Last evaluated: 2026-04-20. Review status: criteria provided, single submitter. Criteria: Ambry Variant Classification Scheme 2023. Collection method: clinical testing. Allele origin: germline.
Comment: The p.P605A variant (also known as c.1813C>G), located in coding exon 12 of the CTNNA1 gene, results from a C to G substitution at nucleotide position 1813. The proline at codon 605 is replaced by alanine, an amino acid with highly similar properties. This amino acid position is conserved. In addition, this alteration is predicted to be tolerated by in silico analysis. Based on the available evidence, the clinical significance of this variant remains unclear.

NM_001903.5(CTNNA1):c.1813C>G (p.Pro605Ala)

Gene: CTNNA1 (catenin alpha 1; plus strand). Cytogenetic location: 5q31.2.
Variant type: single nucleotide variant.
Coding change: c.1813C>G on transcript NM_001903.5 (MANE Select); coding-DNA position 1813, C replaced by G.
Protein change: p.Pro605Ala; replaces proline 605 with alanine.
Molecular consequence: missense variant.
Genome position (GRCh38, 1-based): chr5:138,925,321, C>G. VCF-style: chr5-138925321-C-G. GRCh37 (hg19) VCF-style: chr5-138261010-C-G.
Other names: c.703C>G, p.Pro235Ala (NM_001323989.1, NM_001323990.1, NM_001323991.1 and 17 more transcripts); c.1444C>G, p.Pro482Ala (NM_001290310.3); c.1813C>G, p.Pro605Ala (NM_001323982.2, NM_001323983.1, NM_001323984.2 and 2 more transcripts); c.1720C>G, p.Pro574Ala (NM_001323986.2); c.1504C>G, p.Pro502Ala (NM_001290309.3); c.364C>G, p.Pro122Ala (NM_001324006.1, NM_001324007.1, NM_001324008.1 and 2 more transcripts); c.610C>G, p.Pro204Ala (NM_001324011.1); c.460C>G, p.Pro154Ala (NM_001324012.1, NM_001324013.1); short protein forms P122A, P154A, P204A, P235A, P482A, P502A, P574A, P605A.
Identifiers: ClinVar variation 4869462 (VCV004869462.1).